The following is an entry in ClinVar:

ClinVar aggregate classification (germline): Likely pathogenic (1 of 4 stars; one submission).

Submission:

Labcorp Genetics (formerly Invitae), Labcorp
Classification: Likely pathogenic. Last evaluated: 2018-04-26. Review status: criteria provided, single submitter. Criteria: Invitae Variant Classification Sherloc (09022015). Collection method: clinical testing. Allele origin: unknown.
Comment: This variant is a gross deletion of the genomic region encompassing part of exon 21 (c.2814-96_2870del) of the MSH3 gene. It is expected to disrupt RNA splicing and likely results in an absent or disrupted protein product. This variant has not been reported in the literature in individuals with MSH3-related disease. Loss-of-function variants in MSH3 are known to be pathogenic (PMID: 27476653). In summary, the currently available evidence indicates that the variant is pathogenic, but additional data are needed to prove that conclusively. Therefore, this variant has been classified as Likely Pathogenic.

Literature cited by the submitters: PubMed 27476653.

NC_000005.9:g.(?_80149853)_(80150005_?)del

Gene: MSH3 (mutS homolog 3; plus strand). Cytogenetic location: 5q14.1.
Variant type: Deletion.
Identifiers: ClinVar variation 3246499 (VCV003246499.1).